The following is an entry in ClinVar:

NM_001805.4(CEBPE):c.510+6A>G

Gene: CEBPE (CCAAT enhancer binding protein epsilon; minus strand). Cytogenetic location: 14q11.2.
Variant type: single nucleotide variant.
Coding change: c.510+6A>G on transcript NM_001805.4 (MANE Select); 6 bases into the intron after coding-DNA position 510, A replaced by G.
Molecular consequence: intron variant.
Genome position (GRCh38, 1-based): chr14:23,118,576, T>C on the plus strand (A>G on the coding strand, the complement: CEBPE is on the minus strand). VCF-style: chr14-23118576-T-C. GRCh37 (hg19) VCF-style: chr14-23587785-T-C.
Identifiers: ClinVar variation 2754479 (VCV002754479.3), dbSNP rs2048521107, ClinGen allele CA2123326339.

ClinVar aggregate classification (germline): Uncertain significance (1 of 4 stars; one submission).

Conditions:
Specific granule deficiency. Identifiers: Orphanet 169142, MedGen C0398593, MONDO:0009506.

Submission:

Labcorp Genetics (formerly Invitae), Labcorp
Classification: Uncertain significance for Specific granule deficiency. Last evaluated: 2023-11-25. Review status: criteria provided, single submitter. Criteria: Invitae Variant Classification Sherloc (09022015). Collection method: clinical testing. Allele origin: germline.
Comment: This sequence change falls in intron 1 of the CEBPE gene. It does not directly change the encoded amino acid sequence of the CEBPE protein. It affects a nucleotide within the consensus splice site. This variant is not present in population databases (gnomAD no frequency). This variant has not been reported in the literature in individuals affected with CEBPE-related conditions. Variants that disrupt the consensus splice site are a relatively common cause of aberrant splicing (PMID: 17576681, 9536098). Algorithms developed to predict the effect of sequence changes on RNA splicing suggest that this variant is not likely to affect RNA splicing. In summary, the available evidence is currently insufficient to determine the role of this variant in disease. Therefore, it has been classified as a Variant of Uncertain Significance.

Literature cited by the submitters: PubMed 17576681; PubMed 9536098.